The following is an entry in ClinVar:

NM_080424.4(SP110):c.1660C>T (p.Arg554Ter)

Gene: SP110 (SP110 nuclear body protein; minus strand). Cytogenetic location: 2q37.1.
Variant type: single nucleotide variant.
Coding change: c.1660C>T on transcript NM_080424.4 (MANE Select); coding-DNA position 1660, C replaced by T.
Protein change: p.Arg554Ter; replaces arginine 554 with a stop codon.
Molecular consequence: nonsense.
Genome position (GRCh38, 1-based): chr2:230,172,890, G>A on the plus strand (C>T on the coding strand, the complement: SP110 is on the minus strand). VCF-style: chr2-230172890-G-A. GRCh37 (hg19) VCF-style: chr2-231037606-G-A.
Other names: c.1678C>T, p.Arg560Ter (NM_001378442.1, NM_001378444.1, NM_001378445.1 and 1 more transcripts); c.1660C>T, p.Arg554Ter (NM_001378443.1, NM_004509.5); short protein forms R554*, R560*.
Identifiers: ClinVar variation 1218517 (VCV001218517.5), dbSNP rs200559722, ClinGen allele CA2154391.
Genomic context (GRCh38, chr2:230,172,890, plus strand): 5'-TGCATCCCACTCACCTCTTGGCTTCCACAGGGGGGATGTGACAGTCCTCATGGAAGACTC[G>A]TGGACAAGTACCGCAGCAGAGAAGTTGTCCCCCTTGACAGCACACCTCGCATTCATCCGA-3'

ClinVar aggregate classification (germline): Pathogenic/Likely pathogenic. Review status: criteria provided, multiple submitters, no conflicts (2 of 4 stars). 3 submissions from 3 submitters: Pathogenic (1); Likely pathogenic (2). Last evaluated 2026-02-01.

Conditions:
Hepatic veno-occlusive disease-immunodeficiency syndrome. Also called: Hepatic Veno-Occlusive Disease with Immunodeficiency. Identifiers: Orphanet 79124, MedGen C1856128, MONDO:0009338, OMIM 235550. Disease mechanism: loss of function.
SP110-related disorder. Also called: SP110-related condition.

Allele frequency attached by ClinVar (database versions not stated): ESP Exome Variant Server 0.00008.

Submissions (3):

Labcorp Genetics (formerly Invitae), Labcorp
Classification: Pathogenic for Hepatic veno-occlusive disease-immunodeficiency syndrome. Last evaluated: 2026-02-01. Review status: criteria provided, single submitter. Criteria: Invitae Variant Classification Sherloc (09022015). Collection method: clinical testing. Allele origin: germline.
Comment: This sequence change creates a premature translational stop signal (p.Arg554*) in the SP110 gene. It is expected to result in an absent or disrupted protein product. Loss-of-function variants in SP110 are known to be pathogenic (PMID: 16648851, 22621957). This variant is present in population databases (rs200559722, gnomAD 0.01%). This variant has not been reported in the literature in individuals affected with SP110-related conditions. ClinVar contains an entry for this variant (Variation ID: 1218517). For these reasons, this variant has been classified as Pathogenic.

Blueprint Genetics
Classification: Likely pathogenic for SP110-related disorders. Last evaluated: 2024-06-24. Review status: criteria provided, single submitter. Criteria: ACMG Guidelines, 2015. Collection method: clinical testing. Allele origin: germline. Affected: yes. Observed: 5 variant alleles.

GeneDx
Classification: Likely pathogenic. Last evaluated: 2020-07-09. Review status: criteria provided, single submitter. Criteria: GeneDx Variant Classification Process June 2021. Collection method: clinical testing. Allele origin: germline. Affected: yes.
Comment: Nonsense variant predicted to result in protein truncation or nonsense mediated decay in a gene for which loss-of-function is a known mechanism of disease; Has not been previously published as pathogenic or benign to our knowledge

Literature cited by the submitters: PubMed 16648851 (cited by Labcorp Genetics (formerly Invitae), Labcorp); PubMed 22621957 (cited by Labcorp Genetics (formerly Invitae), Labcorp).